The following is an entry in ClinVar:

NM_133510.4(RAD51B):c.573-1G>A

Gene: RAD51B (RAD51 paralog B; plus strand). Cytogenetic location: 14q24.1.
Variant type: single nucleotide variant.
Coding change: c.573-1G>A on transcript NM_133510.4 (MANE Select); the canonical splice acceptor site of the intron before coding-DNA position 573, G replaced by A.
Molecular consequence: splice acceptor variant.
Genome position (GRCh38, 1-based): chr14:67,887,020, G>A. VCF-style: chr14-67887020-G-A. GRCh37 (hg19) VCF-style: chr14-68353737-G-A.
Other names: c.573-1G>A (NM_001321814.2, NM_002877.6, NM_001321819.1 and 6 more transcripts); c.216-1G>A (NM_001321817.2); c.459-1G>A (NM_001321815.1).
Identifiers: ClinVar variation 5027775 (VCV005027775.1).

ClinVar aggregate classification (germline): Uncertain significance (1 of 4 stars; one submission).

gnomAD v4.1: 2 of 1,463,890 alleles (0.00014%); highest among the groups gnomAD compares: Non-Finnish European, 0.00019%; no homozygotes.

Submission:

Ambry Genetics
Classification: Uncertain significance. Last evaluated: 2026-07-20. Review status: criteria provided, single submitter. Criteria: Ambry Variant Classification Scheme 2023. Collection method: clinical testing. Allele origin: germline.
Comment: The c.573-1G>A intronic variant results from a G to A substitution one nucleotide upstream from coding exon 6 of the RAD51B gene. This nucleotide position is highly conserved in available vertebrate species. In silico splice site analysis predicts that this alteration will weaken the native splice acceptor site and will result in the creation or strengthening of a novel splice acceptor site. The evidence for this gene-disease relationship is limited; therefore, the clinical significance of this variant is unclear.